The following is an entry in ClinVar:

NM_001378457.1(DMXL2):c.3635C>T (p.Ala1212Val)

Gene: DMXL2 (Dmx like 2; minus strand). Cytogenetic location: 15q21.2.
Variant type: single nucleotide variant.
Coding change: c.3635C>T on transcript NM_001378457.1 (MANE Select); coding-DNA position 3635, C replaced by T.
Protein change: p.Ala1212Val; replaces alanine 1212 with valine.
Molecular consequence: missense variant. On other transcripts: non-coding transcript variant (2), intron variant (2).
Genome position (GRCh38, 1-based): chr15:51,499,589, G>A on the plus strand (C>T on the coding strand, the complement: DMXL2 is on the minus strand). VCF-style: chr15-51499589-G-A. GRCh37 (hg19) VCF-style: chr15-51791786-G-A.
Other names: c.3635C>T, p.Ala1212Val (NM_001174116.3, NM_001378458.1, NM_001378459.1 and 4 more transcripts); c.3395C>T, p.Ala1132Val (NM_001378464.1); c.2764+7545C>T (NM_001378460.1); c.2765-4455C>T (NM_001174117.3); c.3635C>T (NM_001174116.1); short protein forms A1132V, A1212V.
Identifiers: ClinVar variation 1361366 (VCV001361366.6), dbSNP rs138187723, ClinGen allele CA7562141.

ClinVar aggregate classification (germline): Uncertain significance. Review status: criteria provided, multiple submitters, no conflicts (2 of 4 stars). 2 submissions from 2 submitters: Uncertain significance (2). Last evaluated 2025-02-08.

Conditions:
Inborn genetic diseases. Identifiers: MedGen C0950123, MeSH D030342.

Allele frequency attached by ClinVar (database versions not stated): gnomAD 0.00001 and 0.00003; gnomAD exomes 0.00001 and 0.00004; TOPMed 0.00001; ExAC 0.00004; ESP Exome Variant Server 0.00008; 1000 Genomes Project 0.00020; 1000 Genomes Project 30x 0.00047.
gnomAD v4.1: 24 of 1,614,086 alleles (0.0015%); highest among the groups gnomAD compares: Admixed American, 0.02%; no homozygotes.

Submissions (2):

Ambry Genetics
Classification: Uncertain significance for Inborn genetic diseases. Last evaluated: 2025-02-08. Review status: criteria provided, single submitter. Criteria: Ambry Variant Classification Scheme 2023. Collection method: clinical testing. Allele origin: germline.

Labcorp Genetics (formerly Invitae), Labcorp
Classification: Uncertain significance. Last evaluated: 2021-09-02. Review status: criteria provided, single submitter. Criteria: Invitae Variant Classification Sherloc (09022015). Collection method: clinical testing. Allele origin: germline.
Comment: This sequence change replaces alanine with valine at codon 1212 of the DMXL2 protein (p.Ala1212Val). The alanine residue is moderately conserved and there is a small physicochemical difference between alanine and valine. This variant is present in population databases (rs138187723, ExAC 0.03%). This variant has not been reported in the literature in individuals affected with DMXL2-related conditions. Algorithms developed to predict the effect of missense changes on protein structure and function are either unavailable or do not agree on the potential impact of this missense change (SIFT: "Tolerated"; PolyPhen-2: "Probably Damaging"; Align-GVGD: "Class C0"). In summary, the available evidence is currently insufficient to determine the role of this variant in disease. Therefore, it has been classified as a Variant of Uncertain Significance.